The following is an entry in ClinVar:

NM_133510.4(RAD51B):c.199G>C (p.Ala67Pro)

Gene: RAD51B (RAD51 paralog B; plus strand). Cytogenetic location: 14q24.1.
Variant type: single nucleotide variant.
Coding change: c.199G>C on transcript NM_133510.4 (MANE Select); coding-DNA position 199, G replaced by C.
Protein change: p.Ala67Pro; replaces alanine 67 with proline.
Molecular consequence: missense variant. On other transcripts: 5 prime UTR variant (1).
Genome position (GRCh38, 1-based): chr14:67,835,080, G>C. VCF-style: chr14-67835080-G-C. GRCh37 (hg19) VCF-style: chr14-68301797-G-C.
Other names: c.199G>C, p.Ala67Pro (NM_001321809.2, NM_001321810.2, NM_001321812.1 and 6 more transcripts); c.85G>C, p.Ala29Pro (NM_001321815.1); c.-257G>C (NM_001321817.2); short protein forms A67P, A29P.
Identifiers: ClinVar variation 4149829 (VCV004149829.1).
Genomic context (GRCh38, chr14:67,835,080, plus strand): 5'-GGTTTATGTTTTTGAATATATATAGAGGTTGAAAAAAAACTTAATCATTTTCTTGTTTAG[G>C]CTTATGGGATAAAAGCACAAAGGTCTGCTGATTTCTCACCAGCATTCTTATCTACTACCC-3'
Protein context (NP_598194.1, residues 57-77): SRACAPKMQT[Ala67Pro]YGIKAQRSAD

ClinVar aggregate classification (germline): Uncertain significance (1 of 4 stars; one submission).

Submission:

Ambry Genetics
Classification: Uncertain significance. Last evaluated: 2025-07-16. Review status: criteria provided, single submitter. Criteria: Ambry Variant Classification Scheme 2023. Collection method: clinical testing. Allele origin: germline.
Comment: The p.A67P variant (also known as c.199G>C) is located in coding exon 3 of the RAD51B gene. The alanine at codon 67 is replaced by proline, an amino acid with highly similar properties. This change occurs in the first base pair of coding exon 3. This amino acid position is conserved. In addition, the in silico prediction for this alteration is inconclusive. Based on the available evidence, the clinical significance of this variant remains unclear.